The following is an entry in ClinVar:

ClinVar aggregate classification (germline): Conflicting classifications of pathogenicity. Review status: criteria provided, conflicting classifications (1 of 4 stars). 7 submissions from 7 submitters: Uncertain significance (1); Benign (2); Likely benign (2). 2 of the submissions do not count toward it. Last evaluated 2025-08-06.

Conditions:
SETD2-related disorder.
Luscan-Lumish syndrome. Identifiers: Orphanet 597738, MedGen C4085873, MONDO:0014791, OMIM 616831.
Inborn genetic diseases. Identifiers: MedGen C0950123, MeSH D030342.

Allele frequency attached by ClinVar (database versions not stated): ExAC 0.00033; gnomAD exomes 0.00037 and 0.00022; ESP Exome Variant Server 0.00038; gnomAD 0.00030 and 0.00031; TOPMed 0.00030.

Submissions (7):

Labcorp Genetics (formerly Invitae), Labcorp
Classification: Benign for Luscan-Lumish syndrome. Last evaluated: 2025-08-06. Review status: criteria provided, single submitter. Criteria: Invitae Variant Classification Sherloc (09022015). Collection method: clinical testing. Allele origin: germline.

Blueprint Genetics
Classification: Likely benign. Last evaluated: 2024-11-06. Review status: criteria provided, single submitter. Criteria: ACMG Guidelines, 2015. Collection method: clinical testing. Allele origin: germline.

Ambry Genetics
Classification: Likely benign for Inborn genetic diseases. Last evaluated: 2022-11-09. Review status: criteria provided, single submitter. Criteria: Ambry Variant Classification Scheme 2023. Collection method: clinical testing. Allele origin: germline.

GeneDx
Classification: Benign. Last evaluated: 2019-03-12. Review status: criteria provided, single submitter. Criteria: GeneDx Variant Classification Process June 2021. Collection method: clinical testing. Allele origin: germline. Affected: yes.

Genetic Services Laboratory, University of Chicago
Classification: Uncertain significance. Last evaluated: 2016-11-23. Review status: criteria provided, single submitter. Criteria: ACMG Guidelines, 2015. Collection method: clinical testing. Allele origin: germline. Affected: no.

PreventionGenetics, part of Exact Sciences
Classification: Benign for SETD2-related condition. Last evaluated: 2019-09-24. Review status: no assertion criteria provided. Collection method: clinical testing. Allele origin: germline. Not counted in ClinVar's aggregate classification.
Comment: This variant is classified as benign based on ACMG/AMP sequence variant interpretation guidelines (Richards et al. 2015 PMID: 25741868, with internal and published modifications).

ITMI
No classification provided. Condition: AllHighlyPenetrant. Last evaluated: 2013-09-19. Review status: no classification provided. Collection method: reference population. Allele origin: germline. Not counted in ClinVar's aggregate classification.
Comment: Please see associated publication for description of ethnicities

Literature cited by the submitters: PubMed 24728327 (cited by ITMI).

NM_014159.7(SETD2):c.5900G>A (p.Gly1967Asp)

Gene: SETD2 (SET domain containing 2, histone lysine methyltransferase; minus strand). Cytogenetic location: 3p21.31.
Variant type: single nucleotide variant.
Coding change: c.5900G>A on transcript NM_014159.7 (MANE Select); coding-DNA position 5900, G replaced by A.
Protein change: p.Gly1967Asp; replaces glycine 1967 with aspartic acid.
Molecular consequence: missense variant. On other transcripts: non-coding transcript variant (1).
Genome position (GRCh38, 1-based): chr3:47,083,880, C>T on the plus strand (G>A on the coding strand, the complement: SETD2 is on the minus strand). VCF-style: chr3-47083880-C-T. GRCh37 (hg19) VCF-style: chr3-47125370-C-T.
Other names: c.5768G>A, p.Gly1923Asp (NM_001349370.3); short protein forms G1967D, G1923D.
Identifiers: ClinVar variation 135204 (VCV000135204.21), dbSNP rs143991928, ClinGen allele CA162005.